The following is an entry in ClinVar:

ClinVar aggregate classification (germline): Conflicting classifications of pathogenicity. Review status: criteria provided, conflicting classifications (1 of 4 stars). 3 submissions from 3 submitters: Likely pathogenic (1); Uncertain significance (2). Last evaluated 2025-08-07.

Conditions:
TSPEAR-related disorder. Also called: TSPEAR-related condition.

Allele frequency attached by ClinVar (database versions not stated): TOPMed below 0.00001; ExAC 0.00001; gnomAD 0.00001.
gnomAD v4.1: 19 of 1,611,860 alleles (0.0012%); highest among the groups gnomAD compares: Non-Finnish European, 0.0014%; no homozygotes.

Submissions (3):

PreventionGenetics, part of Exact Sciences
Classification: Likely pathogenic for TSPEAR-related condition. Last evaluated: 2025-08-07. Review status: criteria provided, single submitter. Criteria: ACMG Guidelines, 2015. Collection method: clinical testing. Allele origin: germline.
Comment: The TSPEAR c.1755T>G variant is predicted to result in the amino acid substitution p.Ser585Arg. To our knowledge, this variant has not been reported in the literature. This variant is reported in 0.0040% of alleles in individuals of African descent in gnomAD. Of note, a different variant impacting the same amino acid (p.Ser585Ile) has been reported in the biallelic state in two patients with ectodermal dysplasia and tooth agenesis (Jackson et al. 2023. PubMed ID: 37009414; Bowles et al. 2021. PubMed ID: 34042254). Based on this evidence, we classify the c.1755T>G (p.Ser585Arg) variant as likely pathogenic.

Blueprint Genetics
Classification: Uncertain significance. Last evaluated: 2024-07-04. Review status: criteria provided, single submitter. Criteria: ACMG Guidelines, 2015. Collection method: clinical testing. Allele origin: germline.

Labcorp Genetics (formerly Invitae), Labcorp
Classification: Uncertain significance. Last evaluated: 2022-02-05. Review status: criteria provided, single submitter. Criteria: Invitae Variant Classification Sherloc (09022015). Collection method: clinical testing. Allele origin: germline.
Comment: In summary, the available evidence is currently insufficient to determine the role of this variant in disease. Therefore, it has been classified as a Variant of Uncertain Significance. Algorithms developed to predict the effect of missense changes on protein structure and function are either unavailable or do not agree on the potential impact of this missense change (SIFT: "Tolerated"; PolyPhen-2: "Possibly Damaging"; Align-GVGD: "Class C0"). This variant has not been reported in the literature in individuals affected with TSPEAR-related conditions. This variant is present in population databases (rs782583828, gnomAD 0.004%). This sequence change replaces serine, which is neutral and polar, with arginine, which is basic and polar, at codon 585 of the TSPEAR protein (p.Ser585Arg).

NM_144991.3(TSPEAR):c.1755T>G (p.Ser585Arg)

Gene: TSPEAR (thrombospondin type laminin G domain and EAR repeats; minus strand). Cytogenetic location: 21q22.3.
Variant type: single nucleotide variant.
Coding change: c.1755T>G on transcript NM_144991.3 (MANE Select); coding-DNA position 1755, T replaced by G.
Protein change: p.Ser585Arg; replaces serine 585 with arginine.
Molecular consequence: missense variant.
Genome position (GRCh38, 1-based): chr21:44,504,881, A>C on the plus strand (T>G on the coding strand, the complement: TSPEAR is on the minus strand). VCF-style: chr21-44504881-A-C. GRCh37 (hg19) VCF-style: chr21-45924764-A-C.
Other names: c.1551T>G, p.Ser517Arg (NM_001272037.2); c.1755T>G (NM_144991.2); short protein forms S517R, S585R.
Identifiers: ClinVar variation 2186811 (VCV002186811.6), dbSNP rs782583828, ClinGen allele CA10056334.